The following is an entry in ClinVar:

NM_001080467.3(MYO5B):c.5120G>A (p.Ser1707Asn)

Genes: MYO5B (myosin VB; minus strand), SNHG22 (small nucleolar RNA host gene 22; plus strand). Cytogenetic location: 18q21.1.
Variant type: single nucleotide variant.
Coding change: c.5120G>A on transcript NM_001080467.3 (MANE Select); coding-DNA position 5120, G replaced by A.
Protein change: p.Ser1707Asn; replaces serine 1707 with asparagine.
Molecular consequence: missense variant.
Genome position (GRCh38, 1-based): chr18:49,837,535, C>T on the plus strand (G>A on the coding strand, the complement: MYO5B is on the minus strand). VCF-style: chr18-49837535-C-T. GRCh37 (hg19) VCF-style: chr18-47363905-C-T.
Other names: c.5120G>A (NM_001080467.2); short protein forms S1707N.
Identifiers: ClinVar variation 1517690 (VCV001517690.8), dbSNP rs200556602, ClinGen allele CA8960142.

ClinVar aggregate classification (germline): Uncertain significance. Review status: criteria provided, multiple submitters, no conflicts (2 of 4 stars). 2 submissions from 2 submitters: Uncertain significance (2). Last evaluated 2024-10-15.

Conditions:
Inborn genetic diseases. Identifiers: MedGen C0950123, MeSH D030342.

Allele frequency attached by ClinVar (database versions not stated): ExAC 0.00001; gnomAD exomes 0.00001 and 0.00004; gnomAD 0.00003 and 0.00004; TOPMed 0.00003.
gnomAD v4.1: 65 of 1,613,810 alleles (0.004%); highest among the groups gnomAD compares: Non-Finnish European, 0.0053%; no homozygotes.

Submissions (2):

Labcorp Genetics (formerly Invitae), Labcorp
Classification: Uncertain significance. Last evaluated: 2024-10-15. Review status: criteria provided, single submitter. Criteria: Invitae Variant Classification Sherloc (09022015). Collection method: clinical testing. Allele origin: germline.
Comment: This sequence change replaces serine, which is neutral and polar, with asparagine, which is neutral and polar, at codon 1707 of the MYO5B protein (p.Ser1707Asn). The frequency data for this variant in the population databases is considered unreliable, as metrics indicate poor data quality at this position in the gnomAD database. This variant has not been reported in the literature in individuals affected with MYO5B-related conditions. ClinVar contains an entry for this variant (Variation ID: 1517690). Invitae Evidence Modeling of protein sequence and biophysical properties (such as structural, functional, and spatial information, amino acid conservation, physicochemical variation, residue mobility, and thermodynamic stability) indicates that this missense variant is expected to disrupt MYO5B protein function with a positive predictive value of 80%. In summary, the available evidence is currently insufficient to determine the role of this variant in disease. Therefore, it has been classified as a Variant of Uncertain Significance.

Ambry Genetics
Classification: Uncertain significance for Inborn genetic diseases. Last evaluated: 2021-08-13. Review status: criteria provided, single submitter. Criteria: Ambry Variant Classification Scheme 2023. Collection method: clinical testing. Allele origin: germline.